The following is an entry in ClinVar:

NM_001384140.1(PCDH15):c.2895T>A (p.Tyr965Ter)

Gene: PCDH15 (protocadherin related 15; minus strand). Cytogenetic location: 10q21.1.
Variant type: single nucleotide variant.
Coding change: c.2895T>A on transcript NM_001384140.1 (MANE Select); coding-DNA position 2895, T replaced by A.
Protein change: p.Tyr965Ter; replaces tyrosine 965 with a stop codon.
Molecular consequence: nonsense.
Genome position (GRCh38, 1-based): chr10:53,961,866, A>T on the plus strand (T>A on the coding strand, the complement: PCDH15 is on the minus strand). VCF-style: chr10-53961866-A-T. GRCh37 (hg19) VCF-style: chr10-55721626-A-T.
Other names: c.2910T>A, p.Tyr970Ter (NM_001142763.2, NM_001142771.2); c.2895T>A, p.Tyr965Ter (NM_001142764.2, NM_001142766.2, NM_001142770.3 and 4 more transcripts); c.2682T>A, p.Tyr894Ter (NM_001142765.2); c.2784T>A, p.Tyr928Ter (NM_001142767.2); c.2829T>A, p.Tyr943Ter (NM_001142768.2, NM_001142773.2, NM_001354404.2); c.2931T>A, p.Tyr977Ter (NM_001142769.4); c.2916T>A, p.Tyr972Ter (NM_001354411.2); short protein forms Y894*, Y943*, Y970*, Y972*, Y977*, Y928*, Y965*.
Identifiers: ClinVar variation 2834813 (VCV002834813.4), dbSNP rs2495140844, ClinGen allele CA376521916.

ClinVar aggregate classification (germline): Pathogenic. Review status: criteria provided, multiple submitters, no conflicts (2 of 4 stars). 2 submissions from 2 submitters: Pathogenic (2). Last evaluated 2026-01-25.

Conditions:
Usher syndrome type 1F (USH1F). Also called: USHER SYNDROME, TYPE IF. Identifiers: Orphanet 231169, Orphanet 886, MedGen C1865885, MONDO:0011186, OMIM 602083.

Submissions (2):

Myriad Genetics, Inc.
Classification: Pathogenic for Usher syndrome type 1F. Last evaluated: 2026-01-25. Review status: criteria provided, single submitter. Criteria: Myriad Autosomal Dominant, Autosomal Recessive and X-Linked Classification Criteria (2023). Collection method: clinical testing. Allele origin: unknown.
Comment: NM_033056.3(PCDH15):c.2895T>A(Y965*) is expected to be pathogenic in the context of PCDH15-related disorders. This variant is predicted to lead to an abnormal or absent protein product due to the creation of a premature termination codon in PCDH15, a gene where loss-of-function variants are known to be pathogenic. Please note: this variant was assessed in the context of healthy population screening.

Labcorp Genetics (formerly Invitae), Labcorp
Classification: Pathogenic. Last evaluated: 2023-02-05. Review status: criteria provided, single submitter. Criteria: Invitae Variant Classification Sherloc (09022015). Collection method: clinical testing. Allele origin: germline.
Comment: For these reasons, this variant has been classified as Pathogenic. This variant has not been reported in the literature in individuals affected with PCDH15-related conditions. This variant is not present in population databases (gnomAD no frequency). This sequence change creates a premature translational stop signal (p.Tyr965*) in the PCDH15 gene. It is expected to result in an absent or disrupted protein product. Loss-of-function variants in PCDH15 are known to be pathogenic (PMID: 11398101, 11487575, 14570705).

Literature cited by the submitters: PubMed 11398101 (cited by Labcorp Genetics (formerly Invitae), Labcorp); PubMed 11487575 (cited by Labcorp Genetics (formerly Invitae), Labcorp); PubMed 14570705 (cited by Labcorp Genetics (formerly Invitae), Labcorp).